The following is an entry in ClinVar:

NM_022081.6(HPS4):c.686A>G (p.Glu229Gly)

Gene: HPS4 (HPS4 biogenesis of lysosomal organelles complex 3 subunit 2; minus strand). Cytogenetic location: 22q12.1.
Variant type: single nucleotide variant.
Coding change: c.686A>G on transcript NM_022081.6 (MANE Select); coding-DNA position 686, A replaced by G.
Protein change: p.Glu229Gly; replaces glutamic acid 229 with glycine.
Molecular consequence: missense variant. On other transcripts: non-coding transcript variant (8).
Genome position (GRCh38, 1-based): chr22:26,466,246, T>C on the plus strand (A>G on the coding strand, the complement: HPS4 is on the minus strand). VCF-style: chr22-26466246-T-C. GRCh37 (hg19) VCF-style: chr22-26862212-T-C.
Other names: c.686A>G, p.Glu229Gly (NM_001349896.1, NM_001349898.2, NM_001349899.2 and 6 more transcripts); c.671A>G, p.Glu224Gly (NM_152841.2); short protein forms E229G, E224G.
Identifiers: ClinVar variation 163674 (VCV000163674.24), dbSNP rs713998, ClinGen allele CA176318.

ClinVar aggregate classification (germline): Benign/Likely benign. Review status: criteria provided, multiple submitters, no conflicts (2 of 4 stars). 9 submissions from 9 submitters: Benign (8); Likely benign (1). Last evaluated 2026-02-04.

Conditions:
Hermansky-Pudlak syndrome 4 (HPS4). Identifiers: Orphanet 231500, Orphanet 79430, MedGen C3484357, MONDO:0013556, OMIM 614073.

Allele frequency attached by ClinVar (database versions not stated): 1000 Genomes Project 30x 0.79201; 1000 Genomes Project 0.79313; TOPMed 0.79585; gnomAD 0.81679 and 0.82039; ESP Exome Variant Server 0.82054; gnomAD exomes 0.84424 and 0.87703; ExAC 0.84868.
gnomAD v4.1: 1,406,299 of 1,613,862 alleles (87%); highest among the groups gnomAD compares: South Asian, 90%; 616,234 homozygotes.

Submissions (9):

Labcorp Genetics (formerly Invitae), Labcorp
Classification: Benign. Last evaluated: 2026-02-04. Review status: criteria provided, single submitter. Criteria: Invitae Variant Classification Sherloc (09022015). Collection method: clinical testing. Allele origin: germline.

Women's Health and Genetics/Laboratory Corporation of America, LabCorp
Classification: Benign. Last evaluated: 2025-02-09. Review status: criteria provided, single submitter. Criteria: LabCorp Variant Classification Summary - May 2015. Collection method: clinical testing. Allele origin: germline.

Blueprint Genetics
Classification: Likely benign. Last evaluated: 2024-11-28. Review status: criteria provided, single submitter. Criteria: ACMG Guidelines, 2015. Collection method: clinical testing. Allele origin: germline.

Mayo Clinic Laboratories, Mayo Clinic
Classification: Benign. Last evaluated: 2022-09-29. Review status: criteria provided, single submitter. Criteria: ACMG Guidelines, 2015. Collection method: clinical testing. Allele origin: germline. Observed: 573 variant alleles.

Genome-Nilou Lab
Classification: Benign for Hermansky-Pudlak syndrome 4. Last evaluated: 2021-08-10. Review status: criteria provided, single submitter. Criteria: ACMG Guidelines, 2015. Collection method: clinical testing. Allele origin: germline. Affected: no.

GeneDx
Classification: Benign. Last evaluated: 2018-11-12. Review status: criteria provided, single submitter. Criteria: GeneDx Variant Classification Process June 2021. Collection method: clinical testing. Allele origin: germline. Affected: yes.

Laboratory for Molecular Medicine, Mass General Brigham Personalized Medicine
Classification: Benign. Last evaluated: 2013-02-21. Review status: criteria provided, single submitter. Criteria: LMM Criteria. Collection method: clinical testing. Allele origin: germline. Observed: 79 variant alleles.
Comment: Glu229Gly in exon 9 of HPS4: This variant is not expected to have clinical signi ficance because it has been identified in 31.1% (1372/4406) of African American chromosomes from a broad population by the NHLBI Exome Sequencing Project (dbSNP rs713998).

Breakthrough Genomics
Classification: Benign. Review status: criteria provided, single submitter. Criteria: ACMG Guidelines, 2015. Collection method: not provided. Allele origin: germline. Inheritance: Autosomal recessive inheritance. Affected: yes.

PreventionGenetics, part of Exact Sciences
Classification: Benign. Review status: criteria provided, single submitter. Criteria: ACMG Guidelines, 2015. Collection method: clinical testing. Allele origin: germline.